The following is an entry in ClinVar:

ClinVar aggregate classification (germline): Uncertain significance (1 of 4 stars; one submission).

gnomAD v4.1: 8 of 1,611,018 alleles (0.0005%); highest among the groups gnomAD compares: Non-Finnish European, 0.00068%; no homozygotes.

Submission:

Labcorp Genetics (formerly Invitae), Labcorp
Classification: Uncertain significance. Last evaluated: 2024-04-24. Review status: criteria provided, single submitter. Criteria: Invitae Variant Classification Sherloc (09022015). Collection method: clinical testing. Allele origin: germline.
Comment: This sequence change falls in intron 45 of the FOCAD gene. It does not directly change the encoded amino acid sequence of the FOCAD protein. It affects a nucleotide within the consensus splice site. This variant is not present in population databases (gnomAD no frequency). This variant has not been reported in the literature in individuals affected with FOCAD-related conditions. Variants that disrupt the consensus splice site are a relatively common cause of aberrant splicing (PMID: 17576681, 9536098). Algorithms developed to predict the effect of sequence changes on RNA splicing suggest that this variant is not likely to affect RNA splicing. In summary, the available evidence is currently insufficient to determine the role of this variant in disease. Therefore, it has been classified as a Variant of Uncertain Significance.

Literature cited by the submitters: PubMed 17576681; PubMed 9536098.

NM_001375567.1(FOCAD):c.5332+4T>G

Gene: FOCAD (focadhesin; plus strand). Cytogenetic location: 9p21.3.
Variant type: single nucleotide variant.
Coding change: c.5332+4T>G on transcript NM_001375567.1 (MANE Select); 4 bases into the intron after coding-DNA position 5332, T replaced by G.
Molecular consequence: intron variant.
Genome position (GRCh38, 1-based): chr9:20,993,332, T>G. VCF-style: chr9-20993332-T-G. GRCh37 (hg19) VCF-style: chr9-20993331-T-G.
Other names: c.5227+4T>G (NM_001375570.1, NM_001375568.1); c.5332+4T>G (NM_017794.5).
Identifiers: ClinVar variation 3631674 (VCV003631674.2).
Genomic context (GRCh38, chr9:20,993,332, plus strand): 5'-GCATCATGGAAAGCCCTAAAGAAGCCCTCTCAGCACAGTCCAGGGATCTTTTGAAAGGTA[T>G]TACTTCCATGTTTTATGCTCAACATAGGGGAAAAACCATTATTGTTGTCTGTGGAGCAGA-3'